The following is an entry in ClinVar:

NM_001267550.2(TTN):c.10726A>G (p.Thr3576Ala)

Gene: TTN (titin; minus strand). Cytogenetic location: 2q31.2.
Variant type: single nucleotide variant.
Coding change: c.10726A>G on transcript NM_001267550.2 (MANE Select); coding-DNA position 10726, A replaced by G.
Protein change: p.Thr3576Ala; replaces threonine 3576 with alanine.
Molecular consequence: missense variant. On other transcripts: intron variant (5).
Genome position (GRCh38, 1-based): chr2:178,756,750, T>C on the plus strand (A>G on the coding strand, the complement: TTN is on the minus strand). VCF-style: chr2-178756750-T-C. GRCh37 (hg19) VCF-style: chr2-179621477-C-C.
Other names: c.10213A>G, p.Thr3405Ala (NM_133437.4); c.10165+2234A>G (NM_003319.4); c.10540+792A>G (NM_133432.3); c.10303+2234A>G (NM_133378.4, NM_001256850.1, NM_133379.5); short protein forms T3405A, T3576A.
Identifiers: ClinVar variation 178665 (VCV000178665.18), dbSNP rs6433728, ClinGen allele CA182754.

ClinVar aggregate classification (germline): Benign/Likely benign. Review status: criteria provided, multiple submitters, no conflicts (2 of 4 stars). 6 submissions from 3 submitters: Benign (5); Likely benign (1). Last evaluated 2026-02-02.

Conditions:
Autosomal recessive limb-girdle muscular dystrophy type 2J (LGMDR10). Also called: MUSCULAR DYSTROPHY, LIMB-GIRDLE, AUTOSOMAL RECESSIVE 10; Limb-girdle muscular dystrophy, type 2J. Identifiers: Orphanet 140922, MedGen C1837342, MONDO:0012127, OMIM 608807.
Dilated cardiomyopathy 1G (CMD1G). Identifiers: Orphanet 154, MedGen C1858763, MONDO:0011400, OMIM 604145.
Myopathy, myofibrillar, 9, with early respiratory failure (MFM9). Also called: Myopathy, distal, with early respiratory failure, autosomal dominant; EDSTROM MYOPATHY; MYOPATHY, PROXIMAL, WITH EARLY RESPIRATORY MUSCLE INVOLVEMENT; Hereditary myopathy with early respiratory failure. Identifiers: Orphanet 178464, Orphanet 34521, MedGen C1863599, MONDO:0011362, OMIM 603689.
Early-onset myopathy with fatal cardiomyopathy (CMYO5). Also called: CONGENITAL MYOPATHY 5 WITH CARDIOMYOPATHY; Salih Myopathy. Identifiers: Orphanet 289377, MedGen C2673677, MONDO:0012714, OMIM 611705. Disease mechanism: loss of function.
Tibial muscular dystrophy (TMD). Also called: Tibial muscular dystrophy, tardive; Udd Distal Myopathy – Tibial Muscular Dystrophy; UDD MYOPATHY. Identifiers: Orphanet 609, MedGen C1838244, MONDO:0010870, OMIM 600334.

Allele frequency attached by ClinVar (database versions not stated): 1000 Genomes Project 30x 0.00109; gnomAD 0.00113 and 0.00124; TOPMed 0.00123.
gnomAD v4.1: 335 of 1,613,842 alleles (0.021%); highest among the groups gnomAD compares: African/African-American, 0.4%; no homozygotes.

Submissions (6):

Labcorp Genetics (formerly Invitae), Labcorp
Classification: Likely benign for Dilated cardiomyopathy 1G; Autosomal recessive limb-girdle muscular dystrophy type 2J. Last evaluated: 2026-02-02. Review status: criteria provided, single submitter. Criteria: Invitae Variant Classification Sherloc (09022015). Collection method: clinical testing. Allele origin: germline.

Genome-Nilou Lab
Classification: Benign for Autosomal recessive limb-girdle muscular dystrophy type 2J. Last evaluated: 2021-09-10. Review status: criteria provided, single submitter. Criteria: ACMG Guidelines, 2015. Collection method: clinical testing. Allele origin: germline. Affected: no.

Genome-Nilou Lab
Classification: Benign for Myopathy, myofibrillar, 9, with early respiratory failure. Last evaluated: 2021-09-10. Review status: criteria provided, single submitter. Criteria: ACMG Guidelines, 2015. Collection method: clinical testing. Allele origin: germline. Affected: no.

Genome-Nilou Lab
Classification: Benign for Early-onset myopathy with fatal cardiomyopathy. Last evaluated: 2021-09-10. Review status: criteria provided, single submitter. Criteria: ACMG Guidelines, 2015. Collection method: clinical testing. Allele origin: germline. Affected: no.

Genome-Nilou Lab
Classification: Benign for Tibial muscular dystrophy. Last evaluated: 2021-09-10. Review status: criteria provided, single submitter. Criteria: ACMG Guidelines, 2015. Collection method: clinical testing. Allele origin: germline. Affected: no.

Laboratory for Molecular Medicine, Mass General Brigham Personalized Medicine
Classification: Benign. Last evaluated: 2018-07-18. Review status: criteria provided, single submitter. Criteria: LMM Criteria. Collection method: clinical testing. Allele origin: germline. Observed: 2 variant alleles.
Comment: proposed classification - variant undergoing re-assessment, contact laboratory